The following is an entry in ClinVar:

ClinVar aggregate classification (germline): Uncertain significance (1 of 4 stars; one submission).

Conditions:
Autosomal dominant Parkinson disease 8. Also called: LRRK2-Related Parkinson Disease; Parkinson disease 8; Parkinson disease 8, susceptibility to. Identifiers: Orphanet 411602, MedGen C1846862, MONDO:0011764, OMIM 607060.

Submission:

Labcorp Genetics (formerly Invitae), Labcorp
Classification: Uncertain significance for Autosomal dominant Parkinson disease 8. Last evaluated: 2024-11-22. Review status: criteria provided, single submitter. Criteria: Invitae Variant Classification Sherloc (09022015). Collection method: clinical testing. Allele origin: germline.
Comment: This sequence change replaces alanine, which is neutral and non-polar, with threonine, which is neutral and polar, at codon 2424 of the LRRK2 protein (p.Ala2424Thr). This variant is not present in population databases (gnomAD no frequency). This variant has not been reported in the literature in individuals affected with LRRK2-related conditions. Invitae Evidence Modeling of protein sequence and biophysical properties (such as structural, functional, and spatial information, amino acid conservation, physicochemical variation, residue mobility, and thermodynamic stability) has been performed for this missense variant. However, the output from this modeling did not meet the statistical confidence thresholds required to predict the impact of this variant on LRRK2 protein function. In summary, the available evidence is currently insufficient to determine the role of this variant in disease. Therefore, it has been classified as a Variant of Uncertain Significance.

NM_198578.4(LRRK2):c.7270G>A (p.Ala2424Thr)

Gene: LRRK2 (leucine rich repeat kinase 2; plus strand). Cytogenetic location: 12q12.
Variant type: single nucleotide variant.
Coding change: c.7270G>A on transcript NM_198578.4 (MANE Select); coding-DNA position 7270, G replaced by A.
Protein change: p.Ala2424Thr; replaces alanine 2424 with threonine.
Molecular consequence: missense variant.
Genome position (GRCh38, 1-based): chr12:40,364,930, G>A. VCF-style: chr12-40364930-G-A. GRCh37 (hg19) VCF-style: chr12-40758732-G-A.
Other names: short protein forms A2424T.
Identifiers: ClinVar variation 3653666 (VCV003653666.2).
Genomic context (GRCh38, chr12:40,364,930, plus strand): 5'-TCAAAACACAAAATGTCTTATTCTGGGAGAGTGAAAACCCTCTGCCTTCAGAAGAACACT[G>A]CTCTTTGGATAGGAACTGGAGGAGGCCATATTTTACTCCTGGATCTTTCAACTCGTCGAC-3'
Protein context (NP_940980.4, residues 2414-2434): VKTLCLQKNT[Ala2424Thr]LWIGTGGGHI